The following is an entry in ClinVar:

NM_001267550.2(TTN):c.101921T>C (p.Leu33974Pro)

Genes: TTN-AS1 (TTN antisense RNA 1; plus strand), TTN (titin; minus strand). Cytogenetic location: 2q31.2.
Variant type: single nucleotide variant.
Coding change: c.101921T>C on transcript NM_001267550.2 (MANE Select); coding-DNA position 101921, T replaced by C.
Protein change: p.Leu33974Pro; replaces leucine 33974 with proline.
Molecular consequence: missense variant.
Genome position (GRCh38, 1-based): chr2:178,534,694, A>G on the plus strand (T>C on the coding strand, the complement: TTN is on the minus strand). VCF-style: chr2-178534694-A-G. GRCh37 (hg19) VCF-style: chr2-179399421-A-G.
Other names: c.96998T>C, p.Leu32333Pro (NM_001256850.1); c.74726T>C, p.Leu24909Pro (NM_003319.4); c.94217T>C, p.Leu31406Pro (NM_133378.4); c.75101T>C, p.Leu25034Pro (NM_133432.3); c.75302T>C, p.Leu25101Pro (NM_133437.4); short protein forms L24909P, L31406P, L32333P, L33974P, L25101P, L25034P.
Identifiers: ClinVar variation 4785726 (VCV004785726.1).

ClinVar aggregate classification (germline): Uncertain significance (1 of 4 stars; one submission).

Conditions:
Autosomal recessive limb-girdle muscular dystrophy type 2J (LGMDR10). Also called: Limb-girdle muscular dystrophy, type 2J; MUSCULAR DYSTROPHY, LIMB-GIRDLE, AUTOSOMAL RECESSIVE 10. Identifiers: Orphanet 140922, MedGen C1837342, MONDO:0012127, OMIM 608807.
Dilated cardiomyopathy 1G (CMD1G). Identifiers: Orphanet 154, MedGen C1858763, MONDO:0011400, OMIM 604145.

Submission:

Labcorp Genetics (formerly Invitae), Labcorp
Classification: Uncertain significance for Dilated cardiomyopathy 1G; Autosomal recessive limb-girdle muscular dystrophy type 2J. Last evaluated: 2025-07-30. Review status: criteria provided, single submitter. Criteria: Invitae Variant Classification Sherloc (09022015). Collection method: clinical testing. Allele origin: germline.
Comment: This sequence change replaces leucine, which is neutral and non-polar, with proline, which is neutral and non-polar, at codon 33974 of the TTN protein (p.Leu33974Pro). This variant is not present in population databases (gnomAD no frequency). This variant has not been reported in the literature in individuals affected with TTN-related conditions. Experimental studies and prediction algorithms are not available or were not evaluated, and the functional significance of this variant is currently unknown. This variant is located in the M band of TTN (PMID: 25589632). Non-truncating variants in this region may be relevant for neuromuscular disorders, but have not been definitively shown to cause cardiomyopathy (PMID: 23975875). In summary, the available evidence is currently insufficient to determine the role of this variant in disease. Therefore, it has been classified as a Variant of Uncertain Significance.

Literature cited by the submitters: PubMed 25589632; PubMed 23975875.